The following is an entry in ClinVar:

ClinVar aggregate classification (germline): Uncertain significance (1 of 4 stars; one submission).

Conditions:
Autosomal recessive nonsyndromic hearing loss 84B. Also called: Deafness, autosomal recessive 84b. Identifiers: Orphanet 90636, MedGen C3554159, MONDO:0013984, OMIM 614944.

Submission:

Foundation for Research in Genetics and Endocrinology, FRIGE's Institute of Human Genetics
Classification: Uncertain significance for Autosomal recessive nonsyndromic hearing loss 84B. Last evaluated: 2021-07-19. Review status: criteria provided, single submitter. Criteria: ACMG Guidelines, 2015. Collection method: clinical testing. Allele origin: germline. Inheritance: Autosomal recessive inheritance. Affected: yes. Observed: 1 heterozygote.
Comment: A heterozygous missense variation in exon 49 of the OTOGL gene that results in the amino acid substitution of Tyrosine for Cysteine at codon 2000 was detected. The observed variant c.5999G>A (p.Cys2000Tyr) has not been reported in the 1000 genomes and gnomAD databases. The in silico prediction of the variant are possibly damaging by PolyPhen-2 (HumDiv) and damaging by SIFT, LRT and MutationTaster2. In summary, the variant meets our criteria to be classified as a variant of uncertain significance.

NM_001378609.3(OTOGL):c.6161G>A (p.Cys2054Tyr)

Gene: OTOGL (otogelin like; plus strand). Cytogenetic location: 12q21.31.
Variant type: single nucleotide variant.
Coding change: c.6161G>A on transcript NM_001378609.3 (MANE Select); coding-DNA position 6161, G replaced by A.
Protein change: p.Cys2054Tyr; replaces cysteine 2054 with tyrosine.
Molecular consequence: missense variant.
Genome position (GRCh38, 1-based): chr12:80,358,710, G>A. VCF-style: chr12-80358710-G-A. GRCh37 (hg19) VCF-style: chr12-80752490-G-A.
Other names: p.Cys2000Tyr; c.6026G>A, p.Cys2009Tyr (NM_001368062.3); c.6161G>A, p.Cys2054Tyr (NM_001378610.3, NM_173591.7); short protein forms C2009Y, C2054Y.
Identifiers: ClinVar variation 1701022 (VCV001701022.3), dbSNP rs962629988, ClinGen allele CA385888739.